The following is an entry in ClinVar:

ClinVar aggregate classification (germline): Uncertain significance. Review status: criteria provided, multiple submitters, no conflicts (2 of 4 stars). 3 submissions from 3 submitters: Uncertain significance (3). Last evaluated 2024-03-05.

Conditions:
Upshaw-Schulman syndrome (TTP). Also called: THROMBOTIC THROMBOCYTOPENIC PURPURA, HEREDITARY; Congenital thrombotic thrombocytopenic purpura. Identifiers: Orphanet 93583, MedGen C1268935, MONDO:0010122, OMIM 274150.

Allele frequency attached by ClinVar (database versions not stated): gnomAD exomes 0.00004; ExAC 0.00006; gnomAD 0.00006.
gnomAD v4.1: 69 of 1,613,264 alleles (0.0043%); highest among the groups gnomAD compares: South Asian, 0.011%; no homozygotes.

Submissions (3):

Fulgent Genetics
Classification: Uncertain significance for Upshaw-Schulman syndrome. Last evaluated: 2024-03-05. Review status: criteria provided, single submitter. Criteria: ACMG Guidelines, 2015. Collection method: clinical testing. Allele origin: germline.

Labcorp Genetics (formerly Invitae), Labcorp
Classification: Uncertain significance. Last evaluated: 2023-11-15. Review status: criteria provided, single submitter. Criteria: Invitae Variant Classification Sherloc (09022015). Collection method: clinical testing. Allele origin: germline.
Comment: This sequence change falls in intron 13 of the ADAMTS13 gene. It does not directly change the encoded amino acid sequence of the ADAMTS13 protein. It affects a nucleotide within the consensus splice site. This variant is present in population databases (rs782344307, gnomAD 0.02%). This variant has not been reported in the literature in individuals affected with ADAMTS13-related conditions. Variants that disrupt the consensus splice site are a relatively common cause of aberrant splicing (PMID: 17576681, 9536098). Algorithms developed to predict the effect of sequence changes on RNA splicing suggest that this variant is not likely to affect RNA splicing. In summary, the available evidence is currently insufficient to determine the role of this variant in disease. Therefore, it has been classified as a Variant of Uncertain Significance.

Mayo Clinic Laboratories, Mayo Clinic
Classification: Uncertain significance. Last evaluated: 2022-06-16. Review status: criteria provided, single submitter. Criteria: ACMG Guidelines, 2015. Collection method: clinical testing. Allele origin: germline. Observed: 1 variant allele.

Literature cited by the submitters: PubMed 17576681 (cited by Labcorp Genetics (formerly Invitae), Labcorp); PubMed 9536098 (cited by Labcorp Genetics (formerly Invitae), Labcorp).

NM_139027.6(ADAMTS13):c.1584+6C>T

Gene: ADAMTS13 (ADAM metallopeptidase with thrombospondin type 1 motif 13; plus strand). Cytogenetic location: 9q34.2.
Variant type: single nucleotide variant.
Coding change: c.1584+6C>T on transcript NM_139027.6 (MANE Select); 6 bases into the intron after coding-DNA position 1584, C replaced by T.
Molecular consequence: intron variant.
Genome position (GRCh38, 1-based): chr9:133,437,903, C>T. VCF-style: chr9-133437903-C-T. GRCh37 (hg19) VCF-style: chr9-136303023-C-T.
Other names: c.1584+6C>T (NM_139025.5); c.1491+6C>T (NM_139026.6).
Identifiers: ClinVar variation 2683076 (VCV002683076.3), dbSNP rs782344307, ClinGen allele CA200930461.
Genomic context (GRCh38, chr9:133,437,903, plus strand): 5'-AAGTGGCCCCCGGGAGGACGGGACCCTGAGCCTGTGTGTGTCGGGCAGCTGCAGGGTAGG[C>T]GTGTGTGGACATTGGCGATGGCCCTGGGGCCTACCTGTCCTATCGGAAGGCTCCTGGGGG-3'